The following is an entry in ClinVar:

NM_012469.4(PRPF6):c.1186+13C>T

Gene: PRPF6 (pre-mRNA processing factor 6; plus strand). Cytogenetic location: 20q13.33.
Variant type: single nucleotide variant.
Coding change: c.1186+13C>T on transcript NM_012469.4 (MANE Select); 13 bases into the intron after coding-DNA position 1186, C replaced by T.
Molecular consequence: intron variant.
Genome position (GRCh38, 1-based): chr20:64,001,252, C>T. VCF-style: chr20-64001252-C-T. GRCh37 (hg19) VCF-style: chr20-62632605-C-T.
Identifiers: ClinVar variation 339471 (VCV000339471.13), dbSNP rs376567998, ClinGen allele CA9972107.

ClinVar aggregate classification (germline): Benign/Likely benign. Review status: criteria provided, multiple submitters, no conflicts (2 of 4 stars). 3 submissions from 3 submitters: Benign (1); Likely benign (2). Last evaluated 2026-01-19.

Conditions:
Retinitis pigmentosa (RP). Identifiers: Orphanet 791, MedGen C0035334, MeSH D012174, MONDO:0019200, OMIM 268000. Inheritance: Autosomal dominant, autosomal recessive and X linked inheritance.

Allele frequency attached by ClinVar (database versions not stated): gnomAD 0.00005 and 0.00009; ESP Exome Variant Server 0.00008; TOPMed 0.00008; gnomAD exomes 0.00024; ExAC 0.00025.
gnomAD v4.1: 206 of 1,614,172 alleles (0.013%); highest among the groups gnomAD compares: South Asian, 0.18%; 3 homozygotes.

Submissions (3):

Labcorp Genetics (formerly Invitae), Labcorp
Classification: Benign. Last evaluated: 2026-01-19. Review status: criteria provided, single submitter. Criteria: Invitae Variant Classification Sherloc (09022015). Collection method: clinical testing. Allele origin: germline.

Blueprint Genetics
Classification: Likely benign. Last evaluated: 2024-10-16. Review status: criteria provided, single submitter. Criteria: ACMG Guidelines, 2015. Collection method: clinical testing. Allele origin: germline.

Illumina Laboratory Services, Illumina
Classification: Likely benign for Retinitis pigmentosa. Last evaluated: 2018-01-13. Review status: criteria provided, single submitter. Criteria: ICSL Variant Classification Criteria 13 December 2019. Collection method: clinical testing. Allele origin: germline.
Comment: This variant was observed in the ICSL laboratory as part of a predisposition screen in an ostensibly healthy population. It had not been previously curated by ICSL or reported in the Human Gene Mutation Database (HGMD: prior to June 1st, 2018), and was therefore a candidate for classification through an automated scoring system. Utilizing variant allele frequency, disease prevalence and penetrance estimates, and inheritance mode, an automated score was calculated to assess if this variant is too frequent to cause the disease. Based on the score and internal cut-off values, a variant classified as likely benign is not then subjected to further curation. The score for this variant resulted in a classification of likely benign for this disease.